The following is an entry in ClinVar:

ClinVar aggregate classification (germline): Likely benign (1 of 4 stars; one submission).

Submission:

CeGaT Center for Human Genetics Tuebingen
Classification: Likely benign. Last evaluated: 2023-06-01. Review status: criteria provided, single submitter. Criteria: CeGaT Center For Human Genetics Tuebingen Variant Classification Criteria Version 2. Collection method: clinical testing. Allele origin: germline. Affected: yes. Observed: 1 variant allele.
Comment: SCN1A: PM2:Supporting, BP4, BP7

NM_001165963.4(SCN1A):c.249C>T (p.Tyr83=)

Gene: SCN1A (sodium voltage-gated channel alpha subunit 1; minus strand). Cytogenetic location: 2q24.3.
Variant type: single nucleotide variant.
Coding change: c.249C>T on transcript NM_001165963.4 (MANE Select); coding-DNA position 249, C replaced by T.
Protein change: p.Tyr83=; no amino-acid change (tyrosine 83 retained).
Molecular consequence: synonymous variant. On other transcripts: 5 prime UTR variant (1), non-coding transcript variant (1).
Genome position (GRCh38, 1-based): chr2:166,073,373, G>A on the plus strand (C>T on the coding strand, the complement: SCN1A is on the minus strand). VCF-style: chr2-166073373-G-A. GRCh37 (hg19) VCF-style: chr2-166929883-G-A.
Other names: c.249C>T, p.Tyr83= (NM_001165964.3, NM_001202435.3, NM_001353948.2 and 10 more transcripts); c.-2177C>T (NM_001353961.2).
Identifiers: ClinVar variation 2571100 (VCV002571100.27), dbSNP rs863225031, ClinGen allele CA429990530.
Genomic context (GRCh38, chr2:166,073,373, plus strand): 5'-CAGTAGGCAATTAGCAGCAAAATATGCCTGATAAAAAACACTCACTTTCTTATTGATATA[G>A]TAGGGGTCCAGGTCCTCCAGGGGCTCTGACACCATCTCTGGAGGAATGTCTCCATAAATA-3'
Protein context (NP_001159435.1, residues 73-93): VSEPLEDLDP[Tyr83=]YINKKTFIVL